The following is an entry in ClinVar:

ClinVar aggregate classification (germline): Uncertain significance (1 of 4 stars; one submission).

Conditions:
Jeune thoracic dystrophy. Also called: Jeune syndrome; Infantile thoracic dystrophy; Thoracic pelvic phalangeal dystrophy; Jeune's syndrome; Chondroectodermal dysplasia-like syndrome; Short-rib thoracic dysplasia. Identifiers: Orphanet 474, MedGen C0265275, MONDO:0018770.

Allele frequency attached by ClinVar (database versions not stated): gnomAD 0.00001; gnomAD exomes 0.00001; TOPMed 0.00001.
gnomAD v4.1: 10 of 1,613,416 alleles (0.00062%); highest among the groups gnomAD compares: Admixed American, 0.0067%; no homozygotes.

Submission:

Labcorp Genetics (formerly Invitae), Labcorp
Classification: Uncertain significance for Jeune thoracic dystrophy. Last evaluated: 2021-08-20. Review status: criteria provided, single submitter. Criteria: Invitae Variant Classification Sherloc (09022015). Collection method: clinical testing. Allele origin: germline.
Comment: This sequence change affects codon 2017 of the DYNC2H1 mRNA. It is a 'silent' change, meaning that it does not change the encoded amino acid sequence of the DYNC2H1 protein. This variant is not present in population databases (ExAC no frequency). This variant has not been reported in the literature in individuals affected with DYNC2H1-related conditions. Algorithms developed to predict the effect of sequence changes on RNA splicing suggest that this variant may create or strengthen a splice site. In summary, the available evidence is currently insufficient to determine the role of this variant in disease. Therefore, it has been classified as a Variant of Uncertain Significance.

NM_001377.3(DYNC2H1):c.6051A>G (p.Gln2017=)

Gene: DYNC2H1 (dynein cytoplasmic 2 heavy chain 1; plus strand). Cytogenetic location: 11q22.3.
Variant type: single nucleotide variant.
Coding change: c.6051A>G on transcript NM_001377.3 (MANE Select); coding-DNA position 6051, A replaced by G.
Protein change: p.Gln2017=; no amino-acid change (glutamine 2017 retained).
Molecular consequence: synonymous variant.
Genome position (GRCh38, 1-based): chr11:103,177,732, A>G. VCF-style: chr11-103177732-A-G. GRCh37 (hg19) VCF-style: chr11-103048461-A-G.
Other names: c.6051A>G, p.Gln2017= (NM_001080463.2).
Identifiers: ClinVar variation 528895 (VCV000528895.6), dbSNP rs1261404836, ClinGen allele CA476739735.